The following is an entry in ClinVar:

NM_004260.4(RECQL4):c.3479_3502+47del

Gene: RECQL4 (RecQ like helicase 4; minus strand). Cytogenetic location: 8q24.3.
Variant type: Deletion.
Coding change: c.3479_3502+47del on transcript NM_004260.4 (MANE Select); coding-DNA position 3479 through 47 bases into the intron after coding-DNA position 3502, 71 bases deleted.
Molecular consequence: splice donor variant.
Genome position (GRCh38, 1-based): chr8:144,511,634-144,511,704, 71 bases deleted. GRCh37 (hg19): chr8:145,737,023-145,737,093.
Identifiers: ClinVar variation 1481582 (VCV001481582.6), dbSNP rs2130650294, ClinGen allele CA2573143038.

ClinVar aggregate classification (germline): Uncertain significance (1 of 4 stars; one submission).

Conditions:
Baller-Gerold syndrome (BGS). Also called: CRANIOSYNOSTOSIS WITH RADIAL DEFECTS. Identifiers: Orphanet 1225, MedGen C0265308, MONDO:0009039, OMIM 218600.

Submission:

Labcorp Genetics (formerly Invitae), Labcorp
Classification: Uncertain significance for Baller-Gerold syndrome. Last evaluated: 2021-10-13. Review status: criteria provided, single submitter. Criteria: Invitae Variant Classification Sherloc (09022015). Collection method: clinical testing. Allele origin: germline.
Comment: In summary, the available evidence is currently insufficient to determine the role of this variant in disease. Therefore, it has been classified as a Variant of Uncertain Significance. Variants that disrupt the consensus splice site are a relatively common cause of aberrant splicing (PMID: 17576681, 9536098). This variant has not been reported in the literature in individuals affected with RECQL4-related conditions. This variant is not present in population databases (ExAC no frequency). This variant results in the deletion of part of exon 20 (c.3479_3502+47del) of the RECQL4 gene. While this variant is not anticipated to result in nonsense mediated decay, it likely alters RNA splicing and results in a disrupted protein product.

Literature cited by the submitters: PubMed 17576681; PubMed 9536098.